The following is an entry in ClinVar:

NM_024675.4(PALB2):c.279A>T (p.Gly93=)

Gene: PALB2 (partner and localizer of BRCA2; minus strand). Cytogenetic location: 16p12.2.
Variant type: single nucleotide variant.
Coding change: c.279A>T on transcript NM_024675.4 (MANE Select); coding-DNA position 279, A replaced by T.
Protein change: p.Gly93=; no amino-acid change (glycine 93 retained).
Molecular consequence: synonymous variant.
Genome position (GRCh38, 1-based): chr16:23,636,267, T>A on the plus strand (A>T on the coding strand, the complement: PALB2 is on the minus strand). VCF-style: chr16-23636267-T-A. GRCh37 (hg19) VCF-style: chr16-23647588-T-A.
Identifiers: ClinVar variation 658333 (VCV000658333.10), dbSNP rs1286951503, ClinGen allele CA494165736.

ClinVar aggregate classification (germline): Benign/Likely benign. Review status: criteria provided, multiple submitters, no conflicts (2 of 4 stars). 2 submissions from 2 submitters: Benign (1); Likely benign (1). Last evaluated 2025-01-10.

Conditions:
Familial cancer of breast. Also called: Hereditary breast cancer; hereditary breast carcinoma; BREAST CANCER, FAMILIAL. Identifiers: Orphanet 227535, MedGen C0346153, MONDO:0016419, OMIM 114480. Disease mechanism: loss of function.

Allele frequency attached by ClinVar (database versions not stated): gnomAD exomes below 0.00001.

Submissions (2):

Myriad Genetics, Inc.
Classification: Benign for Familial cancer of breast. Last evaluated: 2025-01-10. Review status: criteria provided, single submitter. Criteria: Myriad Autosomal Dominant, Autosomal Recessive and X-Linked Classification Criteria (2023). Collection method: clinical testing. Allele origin: unknown.
Comment: This variant is considered benign. This variant is a silent/synonymous amino acid change and it is not expected to impact splicing.

Labcorp Genetics (formerly Invitae), Labcorp
Classification: Likely benign for Familial cancer of breast. Last evaluated: 2023-07-10. Review status: criteria provided, single submitter. Criteria: Invitae Variant Classification Sherloc (09022015). Collection method: clinical testing. Allele origin: germline.